The following is an entry in ClinVar:

ClinVar aggregate classification (germline): Benign/Likely benign. Review status: criteria provided, multiple submitters, no conflicts (2 of 4 stars). 8 submissions from 8 submitters: Benign (2); Likely benign (3). 3 of the submissions do not count toward it. Last evaluated 2026-01-27.

Conditions:
Autoinflammatory syndrome, familial, Behcet-like 1 (AIFBL1). Also called: Haploinsufficiency of A20. Identifiers: Orphanet 674762, MedGen C4225218, MONDO:0800045, OMIM 616744.
A20 haploinsufficiency. Identifiers: MedGen C5849639, MONDO:0100222.

Allele frequency attached by ClinVar (database versions not stated): gnomAD exomes 0.00012; ExAC 0.00016; TOPMed 0.00021; gnomAD 0.00032 and 0.00033.
gnomAD v4.1: 210 of 1,613,970 alleles (0.013%); highest among the groups gnomAD compares: Admixed American, 0.058%; 12 homozygotes.

Submissions (8):

Labcorp Genetics (formerly Invitae), Labcorp
Classification: Benign. Last evaluated: 2026-01-27. Review status: criteria provided, single submitter. Criteria: Invitae Variant Classification Sherloc (09022015). Collection method: clinical testing. Allele origin: germline.

Blueprint Genetics
Classification: Likely benign. Last evaluated: 2024-11-20. Review status: criteria provided, single submitter. Criteria: ACMG Guidelines, 2015. Collection method: clinical testing. Allele origin: germline.

ARUP Laboratories, Molecular Genetics and Genomics, ARUP Laboratories
Classification: Likely benign for Autoinflammatory syndrome, familial, Behcet-like 1. Last evaluated: 2024-01-02. Review status: criteria provided, single submitter. Criteria: ARUP Molecular Germline Variant Investigation Process 2024. Collection method: clinical testing. Allele origin: germline.

CeGaT Center for Human Genetics Tuebingen
Classification: Benign. Last evaluated: 2022-07-01. Review status: criteria provided, single submitter. Criteria: CeGaT Center For Human Genetics Tuebingen Variant Classification Criteria Version 2. Collection method: clinical testing. Allele origin: germline. Affected: yes. Observed: 1 variant allele.
Comment: TNFAIP3: BS1, BS2

Genetics and Molecular Pathology, SA Pathology
Classification: Likely benign for A20 haploinsufficiency. Last evaluated: 2019-07-30. Review status: criteria provided, single submitter. Criteria: ACMG Guidelines, 2015. Collection method: clinical testing. Allele origin: germline. Inheritance: Autosomal dominant inheritance. Affected: yes.

ITMI
No classification provided. Condition: AllHighlyPenetrant. Last evaluated: 2013-09-19. Review status: no classification provided. Collection method: reference population. Allele origin: germline. Not counted in ClinVar's aggregate classification.
Comment: Please see associated publication for description of ethnicities

Clinical Genetics DNA and cytogenetics Diagnostics Lab, Erasmus MC, Erasmus Medical Center
Classification: Likely benign. Review status: no assertion criteria provided. Collection method: clinical testing. Allele origin: germline. Affected: yes. Study: VKGL Data-share Consensus. Not counted in ClinVar's aggregate classification.

Genome Diagnostics Laboratory, University Medical Center Utrecht
Classification: Likely benign. Review status: no assertion criteria provided. Collection method: clinical testing. Allele origin: germline. Affected: yes. Study: VKGL Data-share Consensus. Not counted in ClinVar's aggregate classification.

Literature cited by the submitters: PubMed 24728327 (cited by ITMI).

NM_001270508.2(TNFAIP3):c.322A>G (p.Thr108Ala)

Gene: TNFAIP3 (TNF alpha induced protein 3; plus strand). Cytogenetic location: 6q23.3.
Variant type: single nucleotide variant.
Coding change: c.322A>G on transcript NM_001270508.2 (MANE Select); coding-DNA position 322, A replaced by G.
Protein change: p.Thr108Ala; replaces threonine 108 with alanine.
Molecular consequence: missense variant.
Genome position (GRCh38, 1-based): chr6:137,874,871, A>G. VCF-style: chr6-137874871-A-G. GRCh37 (hg19) VCF-style: chr6-138196008-A-G.
Other names: c.322A>G, p.Thr108Ala (NM_001270507.2, NM_006290.4); short protein forms T108A.
Identifiers: ClinVar variation 135331 (VCV000135331.44), dbSNP rs376205580, ClinGen allele CA162409.